The following is an entry in ClinVar:

ClinVar aggregate classification (germline): Likely benign (1 of 4 stars; one submission).

gnomAD v4.1: 41 of 1,612,418 alleles (0.0025%); highest among the groups gnomAD compares: Non-Finnish European, 0.0019%; no homozygotes.

Submission:

CeGaT Center for Human Genetics Tuebingen
Classification: Likely benign. Last evaluated: 2025-05-01. Review status: criteria provided, single submitter. Criteria: CeGaT Center For Human Genetics Tuebingen Variant Classification Criteria Version 2. Collection method: clinical testing. Allele origin: germline. Affected: yes. Observed: 2 variant alleles.
Comment: FGFR3: BP4, BP7

NM_000142.5(FGFR3):c.1737C>T (p.Phe579=)

Gene: FGFR3 (fibroblast growth factor receptor 3; plus strand). Cytogenetic location: 4p16.3.
Variant type: single nucleotide variant.
Coding change: c.1737C>T on transcript NM_000142.5 (MANE Select); coding-DNA position 1737, C replaced by T.
Protein change: p.Phe579=; no amino-acid change (phenylalanine 579 retained).
Molecular consequence: synonymous variant. On other transcripts: non-coding transcript variant (1).
Genome position (GRCh38, 1-based): chr4:1,805,841, C>T. VCF-style: chr4-1805841-C-T. GRCh37 (hg19) VCF-style: chr4-1807568-C-T.
Other names: c.1740C>T, p.Phe580= (NM_001354810.2, NM_001354809.2); c.1401C>T, p.Phe467= (NM_022965.4); c.1743C>T, p.Phe581= (NM_001163213.2).
Identifiers: ClinVar variation 3341734 (VCV003341734.16).
Genomic context (GRCh38, chr4:1,805,841, plus strand): 5'-CAAGGGTAACCTGCGGGAGTTTCTGCGGGCGCGGCGGCCCCCGGGCCTGGACTACTCCTT[C>T]GACACCTGCAAGCCGCCCGAGGAGCAGCTCACCTTCAAGGACCTGGTGTCCTGTGCCTAC-3'
Protein context (NP_000133.1, residues 569-589): ARRPPGLDYS[Phe579=]DTCKPPEEQL